The following is an entry in ClinVar:

ClinVar aggregate classification (germline): Uncertain significance (1 of 4 stars; one submission).

Conditions:
DICER1-related tumor predisposition. Also called: DICER1 syndrome; DICER1-related pleuropulmonary blastoma cancer predisposition syndrome. Identifiers: Orphanet 284343, MedGen C3839822, MONDO:0100216.

Allele frequency attached by ClinVar (database versions not stated): gnomAD exomes below 0.00001.
gnomAD v4.1: 1 of 1,614,092 alleles (0.000062%); highest among the groups gnomAD compares: Non-Finnish European, 0.000085%; no homozygotes.

Submission:

Labcorp Genetics (formerly Invitae), Labcorp
Classification: Uncertain significance for DICER1-related tumor predisposition. Last evaluated: 2022-08-09. Review status: criteria provided, single submitter. Criteria: Invitae Variant Classification Sherloc (09022015). Collection method: clinical testing. Allele origin: germline.
Comment: This variant has not been reported in the literature in individuals affected with DICER1-related conditions. In summary, the available evidence is currently insufficient to determine the role of this variant in disease. Therefore, it has been classified as a Variant of Uncertain Significance. Algorithms developed to predict the effect of missense changes on protein structure and function are either unavailable or do not agree on the potential impact of this missense change (SIFT: "Tolerated"; PolyPhen-2: "Possibly Damaging"; Align-GVGD: "Class C0"). ClinVar contains an entry for this variant (Variation ID: 645307). This variant is not present in population databases (gnomAD no frequency). This sequence change replaces proline, which is neutral and non-polar, with threonine, which is neutral and polar, at codon 1836 of the DICER1 protein (p.Pro1836Thr).

NM_177438.3(DICER1):c.5506C>A (p.Pro1836Thr)

Gene: DICER1 (dicer 1, ribonuclease III; minus strand). Cytogenetic location: 14q32.13.
Variant type: single nucleotide variant.
Coding change: c.5506C>A on transcript NM_177438.3 (MANE Select); coding-DNA position 5506, C replaced by A.
Protein change: p.Pro1836Thr; replaces proline 1836 with threonine.
Molecular consequence: missense variant. On other transcripts: intron variant (1).
Genome position (GRCh38, 1-based): chr14:95,091,224, G>T on the plus strand (C>A on the coding strand, the complement: DICER1 is on the minus strand). VCF-style: chr14-95091224-G-T. GRCh37 (hg19) VCF-style: chr14-95557561-G-T.
Other names: c.5506C>A, p.Pro1836Thr (NM_001271282.3, NM_001291628.2, NM_030621.4); c.5365-115C>A (NM_001195573.1); short protein forms P1836T.
Identifiers: ClinVar variation 645307 (VCV000645307.8), dbSNP rs1595314254, ClinGen allele CA390864500.